The following is an entry in ClinVar:

ClinVar aggregate classification (germline): Uncertain significance (1 of 4 stars; one submission).

Allele frequency attached by ClinVar (database versions not stated): gnomAD 0.00001; TOPMed 0.00001; gnomAD exomes 0.00003.
gnomAD v4.1: 41 of 1,607,620 alleles (0.0026%); highest among the groups gnomAD compares: Non-Finnish European, 0.0033%; no homozygotes.

Submission:

GeneDx
Classification: Uncertain significance. Last evaluated: 2022-08-26. Review status: criteria provided, single submitter. Criteria: GeneDx Variant Classification Process June 2021. Collection method: clinical testing. Allele origin: germline. Affected: yes.
Comment: Not observed at significant frequency in large population cohorts (gnomAD); In silico analysis supports that this missense variant does not alter protein structure/function; Has not been previously published as pathogenic or benign to our knowledge

NM_002653.5(PITX1):c.923A>G (p.Asn308Ser)

Gene: PITX1 (paired like homeodomain 1; minus strand). Cytogenetic location: 5q31.1.
Variant type: single nucleotide variant.
Coding change: c.923A>G on transcript NM_002653.5 (MANE Select); coding-DNA position 923, A replaced by G.
Protein change: p.Asn308Ser; replaces asparagine 308 with serine.
Molecular consequence: missense variant.
Genome position (GRCh38, 1-based): chr5:135,028,801, T>C on the plus strand (A>G on the coding strand, the complement: PITX1 is on the minus strand). VCF-style: chr5-135028801-T-C. GRCh37 (hg19) VCF-style: chr5-134364491-T-C.
Other names: short protein forms N308S.
Identifiers: ClinVar variation 2430472 (VCV002430472.1), dbSNP rs1312123736, ClinGen allele CA361027228.
Genomic context (GRCh38, chr5:135,028,801, plus strand): 5'-CCGCTCCGGCCGCCGGCCCGCGTGGTGCGGCGGGGCGGTCAGCTGTTGTACTGGCACGCG[T>C]TGAGGCCCGAGGCCGGGCCCTGCAGGCCGCCGTAGCCAAACGACGAGTGCTGTTTGGACT-3'
Protein context (NP_002644.4, residues 298-314): GGLQGPASGL[Asn308Ser]ACQYNS